The following is an entry in ClinVar:

ClinVar aggregate classification (germline): Uncertain significance. Review status: criteria provided, multiple submitters, no conflicts (2 of 4 stars). 2 submissions from 2 submitters: Uncertain significance (2). Last evaluated 2024-11-09.

Conditions:
Inborn genetic diseases. Identifiers: MedGen C0950123, MeSH D030342.

Allele frequency attached by ClinVar (database versions not stated): ESP Exome Variant Server 0.00008; 1000 Genomes Project 30x 0.00016; 1000 Genomes Project 0.00020.
gnomAD v4.1: 142 of 1,613,518 alleles (0.0088%); highest among the groups gnomAD compares: South Asian, 0.11%; 3 homozygotes.

Submissions (2):

Ambry Genetics
Classification: Uncertain significance for Inborn genetic diseases. Last evaluated: 2024-11-09. Review status: criteria provided, single submitter. Criteria: Ambry Variant Classification Scheme 2023. Collection method: clinical testing. Allele origin: germline.

Labcorp Genetics (formerly Invitae), Labcorp
Classification: Uncertain significance. Last evaluated: 2022-05-04. Review status: criteria provided, single submitter. Criteria: Invitae Variant Classification Sherloc (09022015). Collection method: clinical testing. Allele origin: germline.
Comment: This sequence change replaces threonine, which is neutral and polar, with methionine, which is neutral and non-polar, at codon 3123 of the PCLO protein (p.Thr3123Met). This variant is present in population databases (rs372321999, gnomAD 0.1%). This variant has not been reported in the literature in individuals affected with PCLO-related conditions. Algorithms developed to predict the effect of missense changes on protein structure and function are either unavailable or do not agree on the potential impact of this missense change (SIFT: "Deleterious"; PolyPhen-2: "Not Available"; Align-GVGD: "Class C0"). In summary, the available evidence is currently insufficient to determine the role of this variant in disease. Therefore, it has been classified as a Variant of Uncertain Significance.

NM_033026.6(PCLO):c.9368C>T (p.Thr3123Met)

Gene: PCLO (piccolo presynaptic cytomatrix protein; minus strand). Cytogenetic location: 7q21.11.
Variant type: single nucleotide variant.
Coding change: c.9368C>T on transcript NM_033026.6 (MANE Select); coding-DNA position 9368, C replaced by T.
Protein change: p.Thr3123Met; replaces threonine 3123 with methionine.
Molecular consequence: missense variant.
Genome position (GRCh38, 1-based): chr7:82,951,220, G>A on the plus strand (C>T on the coding strand, the complement: PCLO is on the minus strand). VCF-style: chr7-82951220-G-A. GRCh37 (hg19) VCF-style: chr7-82580536-G-A.
Other names: c.9368C>T, p.Thr3123Met (NM_014510.3); c.9368C>T (NM_033026.5); short protein forms T3123M.
Identifiers: ClinVar variation 1408277 (VCV001408277.5), dbSNP rs372321999, ClinGen allele CA4319940.
Genomic context (GRCh38, chr7:82,951,220, plus strand): 5'-TATGATCTAGGCATTGGCTGGCTATGGTGCATGGCAGGTAATGAAGTCACTGCATCAGCC[G>A]TATGAATACCAGACAAATCCCTCACTGTGGTGCTGAAAATGGAGCCAGGTTGTGTGGTGA-3'
Protein context (NP_149015.2, residues 3113-3133): TTVRDLSGIH[Thr3123Met]ADAVTSLPAM